The following is an entry in ClinVar:

ClinVar aggregate classification (germline): Uncertain significance (1 of 4 stars; one submission).

Allele frequency attached by ClinVar (database versions not stated): gnomAD 0.00001.
gnomAD v4.1: 1 of 1,614,150 alleles (0.000062%); highest among the groups gnomAD compares: Admixed American, 0.0017%; no homozygotes.

Submission:

Ambry Genetics
Classification: Uncertain significance. Last evaluated: 2023-04-01. Review status: criteria provided, single submitter. Criteria: Ambry Variant Classification Scheme 2023. Collection method: clinical testing. Allele origin: germline.
Comment: The p.L1592P variant (also known as c.4775T>C), located in coding exon 42 of the KIF1B gene, results from a T to C substitution at nucleotide position 4775. The leucine at codon 1592 is replaced by proline, an amino acid with similar properties. This amino acid position is conserved. In addition, the in silico prediction for this alteration is inconclusive. Since supporting evidence is limited at this time, the clinical significance of this alteration remains unclear.

NM_001365951.3(KIF1B):c.4913T>C (p.Leu1638Pro)

Gene: KIF1B (kinesin family member 1B; plus strand). Cytogenetic location: 1p36.22.
Variant type: single nucleotide variant.
Coding change: c.4913T>C on transcript NM_001365951.3 (MANE Select); coding-DNA position 4913, T replaced by C.
Protein change: p.Leu1638Pro; replaces leucine 1638 with proline.
Molecular consequence: missense variant.
Genome position (GRCh38, 1-based): chr1:10,371,229, T>C. VCF-style: chr1-10371229-T-C. GRCh37 (hg19) VCF-style: chr1-10431287-T-C.
Other names: c.4913T>C, p.Leu1638Pro (NM_001365952.1); c.4775T>C, p.Leu1592Pro (NM_015074.3); short protein forms L1638P, L1592P.
Identifiers: ClinVar variation 2563601 (VCV002563601.2), dbSNP rs1369474017, ClinGen allele CA338327769.